The following is an entry in ClinVar:

ClinVar aggregate classification (germline): Likely benign. Review status: criteria provided, multiple submitters, no conflicts (2 of 4 stars). 2 submissions from 2 submitters: Likely benign (2). Last evaluated 2025-11-12.

Allele frequency attached by ClinVar (database versions not stated): 1000 Genomes Project 30x 0.00047; 1000 Genomes Project 0.00060; TOPMed 0.00139; gnomAD 0.00148; ExAC 0.00160; ESP Exome Variant Server 0.00161; gnomAD exomes 0.00227.
gnomAD v4.1: 3,499 of 1,613,878 alleles (0.22%); highest among the groups gnomAD compares: Non-Finnish European, 0.27%; 5 homozygotes.

Submissions (2):

Labcorp Genetics (formerly Invitae), Labcorp
Classification: Likely benign. Last evaluated: 2025-11-12. Review status: criteria provided, single submitter. Criteria: Invitae Variant Classification Sherloc (09022015). Collection method: clinical testing. Allele origin: germline.

Women's Health and Genetics/Laboratory Corporation of America, LabCorp
Classification: Likely benign. Last evaluated: 2024-05-22. Review status: criteria provided, single submitter. Criteria: LabCorp Variant Classification Summary - May 2015. Collection method: clinical testing. Allele origin: germline.
Comment: Variant summary: AXL c.1082A>C (p.Gln361Pro) results in a non-conservative amino acid change located in the Fibronectin type III domain (IPR003961) of the encoded protein sequence. Three of five in-silico tools predict a damaging effect of the variant on protein function. The variant allele was found at a frequency of 0.0022 in 1613878 control chromosomes, predominantly at a frequency of 0.0027 within the Non-Finnish European subpopulation in the gnomAD database, including 4 homozygotes (gnomAD v4). The observed variant frequency within Non-Finnish European control individuals in the gnomAD database exceeds the estimated maximal expected allele frequency for a pathogenic variant in AXL causing Hypogonadotropic Hypogonadism 7 With Or Without Anosmia phenotype. To our knowledge, no occurrence of c.1082A>C in individuals affected with Hypogonadotropic Hypogonadism 7 With Or Without Anosmia and no experimental evidence demonstrating its impact on protein function have been reported. ClinVar contains an entry for this variant (Variation ID: 2045541). Based on the evidence outlined above, the variant was classified as likely benign.

NM_021913.5(AXL):c.1082A>C (p.Gln361Pro)

Gene: AXL (AXL receptor tyrosine kinase; plus strand). Cytogenetic location: 19q13.2.
Variant type: single nucleotide variant.
Coding change: c.1082A>C on transcript NM_021913.5 (MANE Select); coding-DNA position 1082, A replaced by C.
Protein change: p.Gln361Pro; replaces glutamine 361 with proline.
Molecular consequence: missense variant.
Genome position (GRCh38, 1-based): chr19:41,238,557, A>C. VCF-style: chr19-41238557-A-C. GRCh37 (hg19) VCF-style: chr19-41744462-A-C.
Other names: c.278A>C, p.Gln93Pro (NM_001278599.2); c.1082A>C, p.Gln361Pro (NM_001699.6); short protein forms Q361P, Q93P.
Identifiers: ClinVar variation 2045541 (VCV002045541.5), dbSNP rs141929169, ClinGen allele CA9458184.
Genomic context (GRCh38, chr19:41,238,557, plus strand): 5'-GTGCTACGCGGAATGGGAGCCAGGCCTTCGTGCATTGGCAAGAGCCCCGGGCGCCCCTGC[A>C]GGGTACCCTGTTAGGGTACCGGCTGGCGTATCAAGGCCAGGACACCCCAGAGGTGGGTGC-3'
Protein context (NP_068713.2, residues 351-371): VHWQEPRAPL[Gln361Pro]GTLLGYRLAY